The following is an entry in ClinVar:

ClinVar aggregate classification (germline): Uncertain significance. Review status: criteria provided, single submitter (1 of 4 stars). 2 submissions from 2 submitters: Uncertain significance (1). 1 of the submissions does not count toward it. Last evaluated 2025-11-20.

Conditions:
Inborn genetic diseases. Identifiers: MedGen C0950123, MeSH D030342.
FREM2-related disorder. Also called: FREM2-related condition.

gnomAD v4.1: 60 of 1,614,022 alleles (0.0037%); highest among the groups gnomAD compares: Non-Finnish European, 0.0046%; no homozygotes.

Submissions (2):

Ambry Genetics
Classification: Uncertain significance for Inborn genetic diseases. Last evaluated: 2025-11-20. Review status: criteria provided, single submitter. Criteria: Ambry Variant Classification Scheme 2023. Collection method: clinical testing. Allele origin: germline.

PreventionGenetics, part of Exact Sciences
Classification: Uncertain significance for FREM2-related condition. Last evaluated: 2024-08-16. Review status: no assertion criteria provided. Collection method: clinical testing. Allele origin: germline. Not counted in ClinVar's aggregate classification.
Comment: The FREM2 c.3454G>A variant is predicted to result in the amino acid substitution p.Val1152Ile. To our knowledge, this variant has not been reported in the literature. This variant is reported in 0.0040% of alleles in individuals of African descent in gnomAD. At this time, the clinical significance of this variant is uncertain due to the absence of conclusive functional and genetic evidence.

NM_207361.6(FREM2):c.3454G>A (p.Val1152Ile)

Gene: FREM2 (FRAS1 related extracellular matrix 2; plus strand). Cytogenetic location: 13q13.3.
Variant type: single nucleotide variant.
Coding change: c.3454G>A on transcript NM_207361.6 (MANE Select); coding-DNA position 3454, G replaced by A.
Protein change: p.Val1152Ile; replaces valine 1152 with isoleucine.
Molecular consequence: missense variant.
Genome position (GRCh38, 1-based): chr13:38,690,798, G>A. VCF-style: chr13-38690798-G-A. GRCh37 (hg19) VCF-style: chr13-39264935-G-A.
Other names: c.3454G>A (NM_207361.4); short protein forms V1152I.
Identifiers: ClinVar variation 3350764 (VCV003350764.2).